The following is an entry in ClinVar:

ClinVar aggregate classification (germline): Pathogenic (1 of 4 stars; one submission).

Conditions:
Cardiovascular phenotype. Identifiers: MedGen CN230736.
Hereditary cancer-predisposing syndrome. Also called: Hereditary neoplastic syndrome; Neoplastic Syndromes, Hereditary; Tumor predisposition; Hereditary Cancer Syndrome. Identifiers: Orphanet 140162, MedGen C0027672, MeSH D009386, MONDO:0015356.

Submission:

Ambry Genetics
Classification: Pathogenic for Cardiovascular phenotype; Hereditary cancer-predisposing syndrome. Last evaluated: 2025-08-18. Review status: criteria provided, single submitter. Criteria: Ambry Variant Classification Scheme 2023. Collection method: clinical testing. Allele origin: germline.
Comment: The c.2660_2661delCA pathogenic mutation, located in coding exon 21 of the NF1 gene, results from a deletion of two nucleotides at nucleotide positions 2660 to 2661, causing a translational frameshift with a predicted alternate stop codon (p.A887Gfs*18). This variant is considered to be rare based on population cohorts in the Genome Aggregation Database (gnomAD). This alteration is expected to result in loss of function by premature protein truncation or nonsense-mediated mRNA decay. As such, this alteration is interpreted as a disease-causing mutation.

NM_001042492.3(NF1):c.2660_2661del (p.Ala887fs)

Gene: NF1 (neurofibromin 1; plus strand). Cytogenetic location: 17q11.2.
Variant type: Deletion.
Coding change: c.2660_2661del on transcript NM_001042492.3 (MANE Select); coding-DNA positions 2660 to 2661, 2 bases deleted (CA; older notation c.2660_2661delCA).
Protein change: p.Ala887fs; shifts the reading frame from alanine 887.
Molecular consequence: frameshift variant.
Genome position (GRCh38, 1-based): chr17:31,229,275-31,229,276, CA deleted. VCF-style (leftmost placement, unchanged base first): chr17-31229274-GCA-G. GRCh37 (hg19) VCF-style: chr17-29556292-GCA-G.
Other names: c.2660_2661del, p.Ala887fs (NM_000267.4); short protein forms A887fs.
Identifiers: ClinVar variation 4119132 (VCV004119132.1).